The following is an entry in ClinVar:

ClinVar aggregate classification (germline): Uncertain significance. Review status: criteria provided, multiple submitters, no conflicts (2 of 4 stars). 2 submissions from 2 submitters: Uncertain significance (2). Last evaluated 2025-10-02.

Conditions:
Early-infantile DEE. Also called: Early infantile epileptic encephalopathy with suppression bursts; Early infantile epileptic encephalopathy; Ohtahara syndrome. Identifiers: Orphanet 1934, MedGen C0393706, MONDO:0800491.

Allele frequency attached by ClinVar (database versions not stated): gnomAD exomes below 0.00001 and 0.00001; TOPMed 0.00001.
gnomAD v4.1: 6 of 1,614,098 alleles (0.00037%); highest among the groups gnomAD compares: East Asian, 0.0045%; no homozygotes.

Submissions (2):

Labcorp Genetics (formerly Invitae), Labcorp
Classification: Uncertain significance for Early-infantile DEE. Last evaluated: 2025-10-02. Review status: criteria provided, single submitter. Criteria: Invitae Variant Classification Sherloc (09022015). Collection method: clinical testing. Allele origin: germline.
Comment: This sequence change replaces arginine, which is basic and polar, with cysteine, which is neutral and slightly polar, at codon 2403 of the SPTAN1 protein (p.Arg2403Cys). This variant is present in population databases (no rsID available, gnomAD 0.01%). This variant has not been reported in the literature in individuals affected with SPTAN1-related conditions. ClinVar contains an entry for this variant (Variation ID: 1365272). Invitae Evidence Modeling of protein sequence and biophysical properties (such as structural, functional, and spatial information, amino acid conservation, physicochemical variation, residue mobility, and thermodynamic stability) has been performed for this missense variant. However, the output from this modeling did not meet the statistical confidence thresholds required to predict the impact of this variant on SPTAN1 protein function. In summary, the available evidence is currently insufficient to determine the role of this variant in disease. Therefore, it has been classified as a Variant of Uncertain Significance.

Mayo Clinic Laboratories, Mayo Clinic
Classification: Uncertain significance. Last evaluated: 2024-06-20. Review status: criteria provided, single submitter. Criteria: ACMG Guidelines, 2015. Collection method: clinical testing. Allele origin: germline. Observed: 1 variant allele.
Comment: BS2

NM_001130438.3(SPTAN1):c.7207C>T (p.Arg2403Cys)

Gene: SPTAN1 (spectrin alpha, non-erythrocytic 1; plus strand). Cytogenetic location: 9q34.11.
Variant type: single nucleotide variant.
Coding change: c.7207C>T on transcript NM_001130438.3 (MANE Select); coding-DNA position 7207, C replaced by T.
Protein change: p.Arg2403Cys; replaces arginine 2403 with cysteine.
Molecular consequence: missense variant.
Genome position (GRCh38, 1-based): chr9:128,632,854, C>T. VCF-style: chr9-128632854-C-T. GRCh37 (hg19) VCF-style: chr9-131395133-C-T.
Other names: p.Arg2403Cys; c.7132C>T, p.Arg2378Cys (NM_001195532.2); c.7270C>T, p.Arg2424Cys (NM_001363759.2); c.7147C>T, p.Arg2383Cys (NM_001363765.2, NM_001375314.2); c.7294C>T, p.Arg2432Cys (NM_001375310.1); c.7207C>T, p.Arg2403Cys (NM_001375311.2); c.7243C>T, p.Arg2415Cys (NM_001375312.2); c.7189C>T, p.Arg2397Cys (NM_001375313.1); and 2 more; short protein forms R2378C, R2415C, R2424C, R2403C, R2432C, R2436C, R2383C, R2397C.
Identifiers: ClinVar variation 1365272 (VCV001365272.8), dbSNP rs1285764786, ClinGen allele CA375101905.